The following is an entry in ClinVar:

NM_003107.3(SOX4):c.871AAG[1] (p.Lys292del)

Gene: SOX4 (SRY-box transcription factor 4; plus strand). Cytogenetic location: 6p22.3.
Variant type: Microsatellite.
Coding change: c.871AAG[1] on transcript NM_003107.3 (MANE Select); one copy of the 3-base unit AAG starting at c.871; the reference has two copies in a row; one copy, 3 bases deleted.
Protein change: p.Lys292del; deletes lysine 292.
Genome position (GRCh38, 1-based): chr6:21,595,408-21,595,410, AAG deleted; deleting any 3 consecutive bases within chr6:21,595,403-21,595,410 gives the same sequence; the position shown is the placement nearest the transcript's 3' end. VCF-style (leftmost placement, unchanged base first): chr6-21595402-GAGA-G. GRCh37 (hg19) VCF-style: chr6-21595633-GAGA-G.
Other names: short protein forms K292del.
Identifiers: ClinVar variation 3777962 (VCV003777962.8).

ClinVar aggregate classification (germline): Likely benign. Review status: criteria provided, multiple submitters, no conflicts (2 of 4 stars). 2 submissions from 2 submitters: Likely benign (2). Last evaluated 2025-04-01.

Conditions:
Coffin-Siris syndrome 10. Also called: INTELLECTUAL DEVELOPMENTAL DISORDER WITH SPEECH DELAY AND DYSMORPHIC FACIES. Identifiers: MedGen C4760583, MONDO:0032791, OMIM 618506.

Submissions (2):

CeGaT Center for Human Genetics Tuebingen
Classification: Likely benign. Last evaluated: 2025-04-01. Review status: criteria provided, single submitter. Criteria: CeGaT Center For Human Genetics Tuebingen Variant Classification Criteria Version 2. Collection method: clinical testing. Allele origin: germline. Affected: yes. Observed: 1 variant allele.
Comment: SOX4: PM4:Supporting, BS1

Department of Pathology and Laboratory Medicine, Sinai Health System
Classification: Likely benign for Coffin-Siris syndrome 10. Last evaluated: 2021-07-30. Review status: criteria provided, single submitter. Criteria: ACMG Guidelines, 2015. Collection method: research. Allele origin: germline.